The following is an entry in ClinVar:

NM_133259.4(LRPPRC):c.2513T>C (p.Leu838Pro)

Gene: LRPPRC (leucine rich pentatricopeptide repeat containing; minus strand). Cytogenetic location: 2p21.
Variant type: single nucleotide variant.
Coding change: c.2513T>C on transcript NM_133259.4 (MANE Select); coding-DNA position 2513, T replaced by C.
Protein change: p.Leu838Pro; replaces leucine 838 with proline.
Molecular consequence: missense variant.
Genome position (GRCh38, 1-based): chr2:43,934,870, A>G on the plus strand (T>C on the coding strand, the complement: LRPPRC is on the minus strand). VCF-style: chr2-43934870-A-G. GRCh37 (hg19) VCF-style: chr2-44162009-A-G.
Other names: c.2513T>C (NM_133259.3); short protein forms L838P.
Identifiers: ClinVar variation 2159834 (VCV002159834.3), dbSNP rs1443994613, ClinGen allele CA346671847.

ClinVar aggregate classification (germline): Conflicting classifications of pathogenicity. Review status: criteria provided, conflicting classifications (1 of 4 stars). 3 submissions from 3 submitters: Uncertain significance (2); Likely benign (1). Last evaluated 2024-10-02.

Conditions:
Inborn genetic diseases. Identifiers: MedGen C0950123, MeSH D030342.

Allele frequency attached by ClinVar (database versions not stated): gnomAD 0.00001; TOPMed 0.00006.
gnomAD v4.1: 5 of 1,612,548 alleles (0.00031%); highest among the groups gnomAD compares: Admixed American, 0.0017%; no homozygotes.

Submissions (3):

GeneDx
Classification: Uncertain significance. Last evaluated: 2024-10-02. Review status: criteria provided, single submitter. Criteria: GeneDx Variant Classification Process June 2021. Collection method: clinical testing. Allele origin: germline. Affected: yes.
Comment: Not observed at significant frequency in large population cohorts (gnomAD); In silico analysis supports that this missense variant has a deleterious effect on protein structure/function; Has not been previously published as pathogenic or benign to our knowledge

Ambry Genetics
Classification: Likely benign for Inborn genetic diseases. Last evaluated: 2023-10-30. Review status: criteria provided, single submitter. Criteria: Ambry Variant Classification Scheme 2023. Collection method: clinical testing. Allele origin: germline.

Labcorp Genetics (formerly Invitae), Labcorp
Classification: Uncertain significance. Last evaluated: 2022-07-22. Review status: criteria provided, single submitter. Criteria: Invitae Variant Classification Sherloc (09022015). Collection method: clinical testing. Allele origin: germline.
Comment: This sequence change replaces leucine, which is neutral and non-polar, with proline, which is neutral and non-polar, at codon 838 of the LRPPRC protein (p.Leu838Pro). This variant is not present in population databases (gnomAD no frequency). This variant has not been reported in the literature in individuals affected with LRPPRC-related conditions. Algorithms developed to predict the effect of missense changes on protein structure and function output the following: SIFT: "Tolerated"; PolyPhen-2: "Benign"; Align-GVGD: "Class C0". The proline amino acid residue is found in multiple mammalian species, which suggests that this missense change does not adversely affect protein function. In summary, the available evidence is currently insufficient to determine the role of this variant in disease. Therefore, it has been classified as a Variant of Uncertain Significance.